The following is an entry in ClinVar:

ClinVar aggregate classification (germline): Pathogenic. Review status: criteria provided, multiple submitters, no conflicts (2 of 4 stars). 2 submissions from 2 submitters: Pathogenic (2). Last evaluated 2025-04-17.

Submissions (2):

Labcorp Genetics (formerly Invitae), Labcorp
Classification: Pathogenic. Last evaluated: 2025-04-17. Review status: criteria provided, single submitter. Criteria: Invitae Variant Classification Sherloc (09022015). Collection method: clinical testing. Allele origin: germline.
Comment: This sequence change creates a premature translational stop signal (p.Ala360Glyfs*81) in the TSEN54 gene. It is expected to result in an absent or disrupted protein product. Loss-of-function variants in TSEN54 are known to be pathogenic (PMID: 18711368, 20952379). This variant is present in population databases (rs767505004, gnomAD 0.004%). This variant has not been reported in the literature in individuals affected with TSEN54-related conditions. ClinVar contains an entry for this variant (Variation ID: 524071). For these reasons, this variant has been classified as Pathogenic.

GeneDx
Classification: Pathogenic. Last evaluated: 2020-01-31. Review status: criteria provided, single submitter. Criteria: GeneDx Variant Classification Process June 2021. Collection method: clinical testing. Allele origin: germline. Affected: yes.
Comment: Frameshift variant predicted to result in protein truncation or nonsense mediated decay in a gene for which loss-of-function is a known mechanism of disease; Not observed at a significant frequency in large population cohorts (Lek et al., 2016); Has not been previously published as pathogenic or benign to our knowledge

Literature cited by the submitters: PubMed 18711368 (cited by Labcorp Genetics (formerly Invitae), Labcorp); PubMed 20952379 (cited by Labcorp Genetics (formerly Invitae), Labcorp).

NM_207346.3(TSEN54):c.1060_1078dup (p.Ala360fs)

Gene: TSEN54 (tRNA splicing endonuclease subunit 54; plus strand). Cytogenetic location: 17q25.1.
Variant type: Duplication.
Coding change: c.1060_1078dup on transcript NM_207346.3 (MANE Select); coding-DNA positions 1060 to 1078, 19 bases duplicated (GAGCACCACGCGGAGGCCG).
Protein change: p.Ala360fs; shifts the reading frame from alanine 360.
Molecular consequence: frameshift variant.
Genome position (GRCh38, 1-based): chr17:75,522,141-75,522,159, GAGCACCACGCGGAGGCCG duplicated; duplicating any 19 consecutive bases within chr17:75,522,140-75,522,159 gives the same sequence; the c. name uses the placement nearest the transcript's 3' end. VCF-style (leftmost placement, unchanged base first): chr17-75522139-G-GGGAGCACCACGCGGAGGCC. GRCh37 (hg19) VCF-style: chr17-73518220-G-GGGAGCACCACGCGGAGGCC.
Other names: short protein forms A360fs.
Identifiers: ClinVar variation 524071 (VCV000524071.7), dbSNP rs767505004, ClinGen allele CA8764334.